The following is an entry in ClinVar:

ClinVar aggregate classification (germline): Uncertain significance (1 of 4 stars; one submission).

Submission:

Dasa
Classification: Uncertain significance. Last evaluated: 2024-08-28. Review status: criteria provided, single submitter. Criteria: DASA Assertion Criteria. Collection method: clinical testing. Allele origin: germline.
Comment: NM_022455.5(NSD1):c.4904G>A (p.Cys1635Tyr) is a missense variant that results in the substitution of cysteine with tyrosine. This variant is absent from population databases. Computational prediction algorithms are consistent with a deleterious effect. The currently available literature and clinical evidence are not sufficient to establish a definitive association between this variant and the reported condition. Therefore, this variant is classified as a variant of uncertain significance.

NM_022455.5(NSD1):c.4904G>A (p.Cys1635Tyr)

Gene: NSD1 (nuclear receptor binding SET domain protein 1; plus strand). Cytogenetic location: 5q35.3.
Variant type: single nucleotide variant.
Coding change: c.4904G>A on transcript NM_022455.5 (MANE Select); coding-DNA position 4904, G replaced by A.
Protein change: p.Cys1635Tyr; replaces cysteine 1635 with tyrosine.
Molecular consequence: missense variant.
Genome position (GRCh38, 1-based): chr5:177,257,089, G>A. VCF-style: chr5-177257089-G-A. GRCh37 (hg19) VCF-style: chr5-176684090-G-A.
Other names: c.4031G>A, p.Cys1344Tyr (NM_001365684.2, NM_001409308.1, NM_001409309.1 and 1 more transcripts); c.4904G>A, p.Cys1635Tyr (NM_001409301.1, NM_001409302.1, NM_001409303.1); c.4484G>A, p.Cys1495Tyr (NM_001409304.1); c.4151G>A, p.Cys1384Tyr (NM_001409305.1); c.4142G>A, p.Cys1381Tyr (NM_001409306.1, NM_001409307.1); short protein forms C1344Y, C1381Y, C1384Y, C1495Y, C1635Y.
Identifiers: ClinVar variation 4881005 (VCV004881005.2).
Genomic context (GRCh38, chr5:177,257,089, plus strand): 5'-ACCATGAAGAGTGTGTCCAGAAGTACCCACCCACTGTTATGCAGAACAAGGGCTTCCGGT[G>A]CTCCCTCCACATCTGTATAACCTGTCATGCTGCTAATCCAGCCAATGTTTCTGCATCTAA-3'
Protein context (NP_071900.2, residues 1625-1645): PTVMQNKGFR[Cys1635Tyr]SLHICITCHA